The following is an entry in ClinVar:

NM_000528.4(MAN2B1):c.1336C>T (p.His446Tyr)

Gene: MAN2B1 (mannosidase alpha class 2B member 1; minus strand). Cytogenetic location: 19p13.13.
Variant type: single nucleotide variant.
Coding change: c.1336C>T on transcript NM_000528.4 (MANE Select); coding-DNA position 1336, C replaced by T.
Protein change: p.His446Tyr; replaces histidine 446 with tyrosine.
Molecular consequence: missense variant.
Genome position (GRCh38, 1-based): chr19:12,657,529, G>A on the plus strand (C>T on the coding strand, the complement: MAN2B1 is on the minus strand). VCF-style: chr19-12657529-G-A. GRCh37 (hg19) VCF-style: chr19-12768343-G-A.
Other names: c.1333C>T, p.His445Tyr (NM_001173498.2); short protein forms H445Y, H446Y.
Identifiers: ClinVar variation 2506218 (VCV002506218.29), dbSNP rs2512501711, ClinGen allele CA404246959.
Genomic context (GRCh38, chr19:12,657,529, plus strand): 5'-CAAGCTGGCGCGCGTAGTCGTTGGCCACGTGCTGGCGGGAGGTGCCGCTGACGGCGTCGT[G>A]ATGCTGGAGCACAGCCATCGCCTCATCTGCTCATAGACAATGAGTCCGGTGAGGTTCTGT-3'
Protein context (NP_000519.2, residues 436-456): LNEAMAVLQH[His446Tyr]DAVSGTSRQH

ClinVar aggregate classification (germline): Conflicting classifications of pathogenicity. Review status: criteria provided, conflicting classifications (1 of 4 stars). 3 submissions from 3 submitters: Likely pathogenic (2); Uncertain significance (1). Last evaluated 2025-12-31.

Conditions:
Deficiency of alpha-mannosidase (MANSA). Also called: LYSOSOMAL ALPHA-D-MANNOSIDASE DEFICIENCY; Alpha-Mannosidosis; Mannosidosis, alpha-, types I and II. Identifiers: Orphanet 61, MedGen C0024748, MONDO:0009561, OMIM 248500.

Submissions (3):

First Genomix Gene Laboratory, Genetic Diagnostics Department
Classification: Likely pathogenic for Deficiency of alpha-mannosidase. Last evaluated: 2025-12-31. Review status: criteria provided, single submitter. Criteria: ACMG Guidelines, 2015. Collection method: clinical testing. Allele origin: germline. Inheritance: Autosomal recessive inheritance. Affected: no. Observed: 1 variant allele.

CeGaT Center for Human Genetics Tuebingen
Classification: Likely pathogenic. Last evaluated: 2023-06-01. Review status: criteria provided, single submitter. Criteria: CeGaT Center For Human Genetics Tuebingen Variant Classification Criteria Version 2. Collection method: clinical testing. Allele origin: germline. Affected: yes. Observed: 2 variant alleles.
Comment: MAN2B1: PM1, PM2, PP4:Moderate, PP3

Women's Health and Genetics/Laboratory Corporation of America, LabCorp
Classification: Uncertain significance. Last evaluated: 2023-05-09. Review status: criteria provided, single submitter. Criteria: LabCorp Variant Classification Summary - May 2015. Collection method: clinical testing. Allele origin: germline.
Comment: Variant summary: MAN2B1 c.1336C>T (p.His446Tyr) results in a conservative amino acid change located in the Glycoside hydrolase family 38, central domain (IPR015341) of the encoded protein sequence. Four of five in-silico tools predict a damaging effect of the variant on protein function. The variant was absent in 168180 control chromosomes. The available data on variant occurrences in the general population are insufficient to allow any conclusion about variant significance. To our knowledge, no occurrence of c.1336C>T in individuals affected with Alpha-Mannosidosis and no experimental evidence demonstrating its impact on protein function have been reported. No clinical diagnostic laboratories have submitted clinical-significance assessments for this variant to ClinVar after 2014. Based on the evidence outlined above, the variant was classified as uncertain significance.